The following is an entry in ClinVar:

ClinVar aggregate classification (germline): Likely benign. Review status: criteria provided, single submitter (1 of 4 stars). 2 submissions from 2 submitters: Likely benign (1). 1 of the submissions does not count toward it. Last evaluated 2020-08-20.

Conditions:
Zellweger spectrum disorders (ZS). Also called: Zellweger Spectrum Disorder; Zellweger Spectrum; Zellweger Spectrum Disorder (ZSD); Zellweger syndrome. Identifiers: Orphanet 912, MedGen C0043459, MONDO:0019609.
PEX1-related disorder. Also called: PEX1-related condition.

Submissions (2):

Labcorp Genetics (formerly Invitae), Labcorp
Classification: Likely benign for Zellweger spectrum disorders. Last evaluated: 2020-08-20. Review status: criteria provided, single submitter. Criteria: Invitae Variant Classification Sherloc (09022015). Collection method: clinical testing. Allele origin: germline.

PreventionGenetics, part of Exact Sciences
Classification: Likely benign for PEX1-related condition. Last evaluated: 2023-06-13. Review status: no assertion criteria provided. Collection method: clinical testing. Allele origin: germline. Not counted in ClinVar's aggregate classification.
Comment: This variant is classified as likely benign based on ACMG/AMP sequence variant interpretation guidelines (Richards et al. 2015 PMID: 25741868, with internal and published modifications).

NM_000466.3(PEX1):c.2766T>G (p.Val922=)

Gene: PEX1 (peroxisomal biogenesis factor 1; minus strand). Cytogenetic location: 7q21.2.
Variant type: single nucleotide variant.
Coding change: c.2766T>G on transcript NM_000466.3 (MANE Select); coding-DNA position 2766, T replaced by G.
Protein change: p.Val922=; no amino-acid change (valine 922 retained).
Molecular consequence: synonymous variant.
Genome position (GRCh38, 1-based): chr7:92,496,730, A>C on the plus strand (T>G on the coding strand, the complement: PEX1 is on the minus strand). VCF-style: chr7-92496730-A-C. GRCh37 (hg19) VCF-style: chr7-92126044-A-C.
Other names: c.2595T>G, p.Val865= (NM_001282677.2); c.2142T>G, p.Val714= (NM_001282678.2); c.2766T>G (NM_000466.2).
Identifiers: ClinVar variation 1159593 (VCV001159593.11), dbSNP rs2116110796, ClinGen allele CA456481744.